The following is an entry in ClinVar:

NM_000037.4(ANK1):c.2754G>A (p.Met918Ile)

Gene: ANK1 (ankyrin 1; minus strand). Cytogenetic location: 8p11.21.
Variant type: single nucleotide variant.
Coding change: c.2754G>A on transcript NM_000037.4 (MANE Select); coding-DNA position 2754, G replaced by A.
Protein change: p.Met918Ile; replaces methionine 918 with isoleucine.
Molecular consequence: missense variant.
Genome position (GRCh38, 1-based): chr8:41,696,569, C>T on the plus strand (G>A on the coding strand, the complement: ANK1 is on the minus strand). VCF-style: chr8-41696569-C-T. GRCh37 (hg19) VCF-style: chr8-41554087-C-T.
Other names: c.2877G>A, p.Met959Ile (NM_001142446.2); c.2754G>A, p.Met918Ile (NM_020475.3, NM_020476.3, NM_020477.3); short protein forms M959I, M918I.
Identifiers: ClinVar variation 2064415 (VCV002064415.4), dbSNP rs895336942, ClinGen allele CA175932772.

ClinVar aggregate classification (germline): Uncertain significance (1 of 4 stars; one submission).

Allele frequency attached by ClinVar (database versions not stated): gnomAD exomes 0.00002; TOPMed 0.00002; gnomAD 0.00003.
gnomAD v4.1: 43 of 1,613,906 alleles (0.0027%); highest among the groups gnomAD compares: Non-Finnish European, 0.0033%; no homozygotes.

Submission:

Labcorp Genetics (formerly Invitae), Labcorp
Classification: Uncertain significance. Last evaluated: 2022-03-23. Review status: criteria provided, single submitter. Criteria: Invitae Variant Classification Sherloc (09022015). Collection method: clinical testing. Allele origin: germline.
Comment: In summary, the available evidence is currently insufficient to determine the role of this variant in disease. Therefore, it has been classified as a Variant of Uncertain Significance. This sequence change replaces methionine, which is neutral and non-polar, with isoleucine, which is neutral and non-polar, at codon 918 of the ANK1 protein (p.Met918Ile). This variant is present in population databases (no rsID available, gnomAD 0.002%). This variant has not been reported in the literature in individuals affected with ANK1-related conditions. Algorithms developed to predict the effect of missense changes on protein structure and function are either unavailable or do not agree on the potential impact of this missense change (SIFT: "Deleterious"; PolyPhen-2: "Probably Damaging"; Align-GVGD: "Class C0").